The following is an entry in ClinVar:

ClinVar aggregate classification (germline): Uncertain significance. Review status: criteria provided, multiple submitters, no conflicts (2 of 4 stars). 2 submissions from 2 submitters: Uncertain significance (2). Last evaluated 2025-11-01.

Conditions:
Alstrom syndrome (ALMS). Identifiers: Orphanet 64, MedGen C0268425, MONDO:0008763, OMIM 203800.

Allele frequency attached by ClinVar (database versions not stated): gnomAD exomes below 0.00001; gnomAD 0.00001; TOPMed 0.00001.
gnomAD v4.1: 3 of 1,613,918 alleles (0.00019%); highest among the groups gnomAD compares: Admixed American, 0.005%; no homozygotes.

Submissions (2):

CeGaT Center for Human Genetics Tuebingen
Classification: Uncertain significance. Last evaluated: 2025-11-01. Review status: criteria provided, single submitter. Criteria: CeGaT Center For Human Genetics Tuebingen Variant Classification Criteria Version 2. Collection method: clinical testing. Allele origin: germline. Affected: yes. Observed: 1 variant allele.
Comment: ALMS1: PM2, BP4

Labcorp Genetics (formerly Invitae), Labcorp
Classification: Uncertain significance for Alstrom syndrome. Last evaluated: 2022-10-05. Review status: criteria provided, single submitter. Criteria: Invitae Variant Classification Sherloc (09022015). Collection method: clinical testing. Allele origin: germline.
Comment: This sequence change replaces phenylalanine, which is neutral and non-polar, with tyrosine, which is neutral and polar, at codon 928 of the ALMS1 protein (p.Phe928Tyr). This variant is not present in population databases (gnomAD no frequency). This variant has not been reported in the literature in individuals affected with ALMS1-related conditions. Experimental studies and prediction algorithms are not available or were not evaluated, and the functional significance of this variant is currently unknown. In summary, the available evidence is currently insufficient to determine the role of this variant in disease. Therefore, it has been classified as a Variant of Uncertain Significance.

NM_001378454.1(ALMS1):c.2780T>A (p.Phe927Tyr)

Gene: ALMS1 (ALMS1 centrosome and basal body associated protein; plus strand). Cytogenetic location: 2p13.1.
Variant type: single nucleotide variant.
Coding change: c.2780T>A on transcript NM_001378454.1 (MANE Select); coding-DNA position 2780, T replaced by A.
Protein change: p.Phe927Tyr; replaces phenylalanine 927 with tyrosine.
Molecular consequence: missense variant.
Genome position (GRCh38, 1-based): chr2:73,449,307, T>A. VCF-style: chr2-73449307-T-A. GRCh37 (hg19) VCF-style: chr2-73676434-T-A.
Other names: c.2783T>A, p.Phe928Tyr (NM_015120.4); short protein forms F927Y, F928Y.
Identifiers: ClinVar variation 2414683 (VCV002414683.8), dbSNP rs1316759552, ClinGen allele CA347272001.